The following is an entry in ClinVar:

ClinVar aggregate classification (germline): Uncertain significance (1 of 4 stars; one submission).

Conditions:
Hereditary cancer-predisposing syndrome. Also called: Neoplastic Syndromes, Hereditary; Tumor predisposition; Hereditary neoplastic syndrome; Hereditary Cancer Syndrome. Identifiers: Orphanet 140162, MedGen C0027672, MeSH D009386, MONDO:0015356.

Submission:

Ambry Genetics
Classification: Uncertain significance for Hereditary cancer-predisposing syndrome. Last evaluated: 2023-02-28. Review status: criteria provided, single submitter. Criteria: Ambry Variant Classification Scheme 2023. Collection method: clinical testing. Allele origin: germline.
Comment: The p.L113R variant (also known as c.338T>G), located in coding exon 2 of the MSH3 gene, results from a T to G substitution at nucleotide position 338. The leucine at codon 113 is replaced by arginine, an amino acid with dissimilar properties. This amino acid position is conserved. In addition, this alteration is predicted to be tolerated by in silico analysis. Since supporting evidence is limited at this time, the clinical significance of this alteration remains unclear.

NM_002439.5(MSH3):c.338T>G (p.Leu113Arg)

Gene: MSH3 (mutS homolog 3; plus strand). Cytogenetic location: 5q14.1.
Variant type: single nucleotide variant.
Coding change: c.338T>G on transcript NM_002439.5 (MANE Select); coding-DNA position 338, T replaced by G.
Protein change: p.Leu113Arg; replaces leucine 113 with arginine.
Molecular consequence: missense variant.
Genome position (GRCh38, 1-based): chr5:80,656,511, T>G. VCF-style: chr5-80656511-T-G. GRCh37 (hg19) VCF-style: chr5-79952330-T-G.
Other names: short protein forms L113R.
Identifiers: ClinVar variation 2451086 (VCV002451086.2), dbSNP rs2546712285, ClinGen allele CA360266531.